The following is an entry in ClinVar:

NM_000218.3(KCNQ1):c.1252-1G>A

Gene: KCNQ1 (potassium voltage-gated channel subfamily Q member 1; plus strand). Cytogenetic location: 11p15.5.
Variant type: single nucleotide variant.
Coding change: c.1252-1G>A on transcript NM_000218.3 (MANE Select); the canonical splice acceptor site of the intron before coding-DNA position 1252, G replaced by A.
Molecular consequence: splice acceptor variant.
Genome position (GRCh38, 1-based): chr11:2,588,712, G>A. VCF-style: chr11-2588712-G-A. GRCh37 (hg19) VCF-style: chr11-2609942-G-A.
Other names: c.982-1G>A (NM_001406837.1); c.1156-1G>A (NM_001406836.1); c.712-1G>A (NM_001406838.1); c.871-1G>A (NM_181798.2).
Identifiers: ClinVar variation 2773474 (VCV002773474.5), dbSNP rs1848628661, ClinGen allele CA379134890.

ClinVar aggregate classification (germline): Likely pathogenic. Review status: criteria provided, multiple submitters, no conflicts (2 of 4 stars). 4 submissions from 4 submitters: Likely pathogenic (4). Last evaluated 2025-07-09.

Conditions:
KCNQ1-related disorder. Also called: KCNQ1-related condition; KCNQ1-related disorders. Identifiers: MedGen CN239322.
Cardiac arrhythmia. Also called: Arrhythmia; Cardiac rhythm disease. Identifiers: MedGen C0003811, MONDO:0007263, HP:0011675.
Long QT syndrome (LQTS). Identifiers: MedGen C0023976, MeSH D008133, MONDO:0002442. Disease mechanism: loss of function. Inheritance: Various modes of inheritance.

Submissions (4):

Labcorp Genetics (formerly Invitae), Labcorp
Classification: Likely pathogenic for Long QT syndrome. Last evaluated: 2025-07-09. Review status: criteria provided, single submitter. Criteria: Invitae Variant Classification Sherloc (09022015). Collection method: clinical testing. Allele origin: germline.
Comment: This sequence change affects an acceptor splice site in intron 9 of the KCNQ1 gene. It is expected to disrupt RNA splicing. Variants that disrupt the donor or acceptor splice site typically lead to a loss of protein function (PMID: 16199547), and loss-of-function variants in KCNQ1 are known to be pathogenic (PMID: 9323054, 19862833). This variant is not present in population databases (gnomAD no frequency). Disruption of this splice site has been observed in individual(s) with long QT syndrome (PMID: 32893267, 34505893). ClinVar contains an entry for this variant (Variation ID: 2773474). Algorithms developed to predict the effect of sequence changes on RNA splicing suggest that this variant may disrupt the consensus splice site. In summary, the currently available evidence indicates that the variant is pathogenic, but additional data are needed to prove that conclusively. Therefore, this variant has been classified as Likely Pathogenic.

All of Us Research Program, National Institutes of Health
Classification: Likely pathogenic for Long QT syndrome. Last evaluated: 2023-04-28. Review status: criteria provided, single submitter. Criteria: ACMG Guidelines, 2015. Collection method: clinical testing. Allele origin: germline. Inheritance: Autosomal dominant inheritance. Observed: 1 variant allele, 1 heterozygote.
Comment: This variant causes a G to A nucleotide substitution at the canonical -1 position of intron 9 of the KCNQ1 gene. Splice site prediction tools predict that this variant may have a significant impact on RNA splicing. Although functional RNA studies have not been reported for this variant, it is predicted to result in an absent or non-functional protein product. This variant has been reported in an individual affected with congenital long QT syndrome (PMID: 32893267). This variant has not been identified in the general population by the Genome Aggregation Database (gnomAD). Loss of KCNQ1 function is a known mechanism of disease. Based on the available evidence, this variant is classified as Likely Pathogenic.

This study involves interpretation of variants in research participants for the purpose of population health screening. Participant phenotype was not available at the time of variant classification. Additional details can be found in publication PMID: 35346344, PMCID: PMC8962531

Color Diagnostics, LLC DBA Color Health
Classification: Likely pathogenic for Cardiac arrhythmia. Last evaluated: 2023-02-28. Review status: criteria provided, single submitter. Criteria: ACMG Guidelines, 2015. Collection method: clinical testing. Allele origin: germline.
Comment: This variant causes a G to A nucleotide substitution at the canonical -1 position of intron 9 of the KCNQ1 gene. Splice site prediction tools predict that this variant may have a significant impact on RNA splicing. Although functional RNA studies have not been reported for this variant, it is predicted to result in an absent or non-functional protein product. This variant has been reported in an individual affected with congenital long QT syndrome (PMID: 32893267). This variant has not been identified in the general population by the Genome Aggregation Database (gnomAD). Loss of KCNQ1 function is a known mechanism of disease. Based on the available evidence, this variant is classified as Likely Pathogenic.

Blueprint Genetics
Classification: Likely pathogenic for KCNQ1-related disorders. Last evaluated: 2021-06-18. Review status: criteria provided, single submitter. Criteria: ACMG Guidelines, 2015. Collection method: clinical testing. Allele origin: germline. Affected: yes. Observed: 5 variant alleles.

Literature cited by the submitters: PubMed 16199547 (cited by Labcorp Genetics (formerly Invitae), Labcorp); PubMed 9323054 (cited by Labcorp Genetics (formerly Invitae), Labcorp); PubMed 19862833 (cited by Labcorp Genetics (formerly Invitae), Labcorp); PubMed 32893267 (cited by 3 submitters); PubMed 34505893 (cited by Labcorp Genetics (formerly Invitae), Labcorp).